The following is an entry in ClinVar:

ClinVar aggregate classification (germline): Uncertain significance (1 of 4 stars; one submission).

Allele frequency attached by ClinVar (database versions not stated): gnomAD exomes below 0.00001; TOPMed below 0.00001; gnomAD 0.00001.
gnomAD v4.1: 9 of 1,614,072 alleles (0.00056%); highest among the groups gnomAD compares: African/African-American, 0.008%; no homozygotes.

Submission:

Labcorp Genetics (formerly Invitae), Labcorp
Classification: Uncertain significance. Last evaluated: 2024-12-09. Review status: criteria provided, single submitter. Criteria: Invitae Variant Classification Sherloc (09022015). Collection method: clinical testing. Allele origin: germline.
Comment: This sequence change replaces tyrosine, which is neutral and polar, with cysteine, which is neutral and slightly polar, at codon 128 of the EIF2B5 protein (p.Tyr128Cys). This variant is not present in population databases (gnomAD no frequency). This variant has not been reported in the literature in individuals affected with EIF2B5-related conditions. ClinVar contains an entry for this variant (Variation ID: 1431619). Invitae Evidence Modeling of protein sequence and biophysical properties (such as structural, functional, and spatial information, amino acid conservation, physicochemical variation, residue mobility, and thermodynamic stability) indicates that this missense variant is not expected to disrupt EIF2B5 protein function with a negative predictive value of 80%. In summary, the available evidence is currently insufficient to determine the role of this variant in disease. Therefore, it has been classified as a Variant of Uncertain Significance.

NM_003907.3(EIF2B5):c.383A>G (p.Tyr128Cys)

Gene: EIF2B5 (eukaryotic translation initiation factor 2B subunit epsilon; plus strand). Cytogenetic location: 3q27.1.
Variant type: single nucleotide variant.
Coding change: c.383A>G on transcript NM_003907.3 (MANE Select); coding-DNA position 383, A replaced by G.
Protein change: p.Tyr128Cys; replaces tyrosine 128 with cysteine.
Molecular consequence: missense variant.
Genome position (GRCh38, 1-based): chr3:184,137,682, A>G. VCF-style: chr3-184137682-A-G. GRCh37 (hg19) VCF-style: chr3-183855470-A-G.
Other names: short protein forms Y128C.
Identifiers: ClinVar variation 1431619 (VCV001431619.5), dbSNP rs865774540, ClinGen allele CA88840405.